The following is an entry in ClinVar:

NM_001369.3(DNAH5):c.13338+5G>A

Gene: DNAH5 (dynein axonemal heavy chain 5; minus strand). Cytogenetic location: 5p15.2.
Variant type: single nucleotide variant.
Coding change: c.13338+5G>A on transcript NM_001369.3 (MANE Select); 5 bases into the intron after coding-DNA position 13338, G replaced by A.
Molecular consequence: intron variant.
Genome position (GRCh38, 1-based): chr5:13,708,118, C>T on the plus strand (G>A on the coding strand, the complement: DNAH5 is on the minus strand). VCF-style: chr5-13708118-C-T. GRCh37 (hg19) VCF-style: chr5-13708227-C-T.
Identifiers: ClinVar variation 572293 (VCV000572293.8), dbSNP rs374718437, ClinGen allele CA3201398.

ClinVar aggregate classification (germline): Pathogenic. Review status: criteria provided, multiple submitters, no conflicts (2 of 4 stars). 2 submissions from 2 submitters: Pathogenic (2). Last evaluated 2025-01-14.

Conditions:
Primary ciliary dyskinesia. Also called: Ciliary dyskinesia. Identifiers: Orphanet 244, MedGen C0008780, MONDO:0016575, HP:0012265.

Allele frequency attached by ClinVar (database versions not stated): gnomAD 0.00001; gnomAD exomes 0.00001 and 0.00002; ExAC 0.00002; TOPMed 0.00003; ESP Exome Variant Server 0.00008.
gnomAD v4.1: 19 of 1,613,716 alleles (0.0012%); highest among the groups gnomAD compares: Admixed American, 0.0033%; no homozygotes.

Submissions (2):

Natera, Inc.
Classification: Pathogenic for Primary ciliary dyskinesia. Last evaluated: 2025-01-14. Review status: criteria provided, single submitter. Criteria: Natera Variant Classification Schema (03/2026). Collection method: clinical testing. Allele origin: germline.
Comment: The c.13338+5G>A variant in DNAH5 is an intronic variant located outside the canonical splice sites. This variant is rare in the general population with a frequency below the threshold expected for the associated phenotype(s). This variant has been observed in one or more individuals affected with the associated recessive disease, as either homozygous or compound heterozygous with a second variant (PMID: 16627867, 24498942, 29363216). Computational prediction algorithms indicate this variant is likely to affect gene or protein function. Given the available evidence, this variant is classified as Pathogenic.

Labcorp Genetics (formerly Invitae), Labcorp
Classification: Pathogenic for Primary ciliary dyskinesia. Last evaluated: 2023-08-16. Review status: criteria provided, single submitter. Criteria: Invitae Variant Classification Sherloc (09022015). Collection method: clinical testing. Allele origin: germline.
Comment: This variant has been observed in individual(s) with primary ciliary dyskinesia (PMID: 16627867; Invitae). This variant is present in population databases (rs374718437, gnomAD 0.006%). This sequence change falls in intron 76 of the DNAH5 gene. It does not directly change the encoded amino acid sequence of the DNAH5 protein. It affects a nucleotide within the consensus splice site. ClinVar contains an entry for this variant (Variation ID: 572293). For these reasons, this variant has been classified as Pathogenic. Variants that disrupt the consensus splice site are a relatively common cause of aberrant splicing (PMID: 17576681, 9536098). Algorithms developed to predict the effect of sequence changes on RNA splicing suggest that this variant may disrupt the consensus splice site.

Literature cited by the submitters: PubMed 16627867 (cited by Natera, Inc. and Labcorp Genetics (formerly Invitae), Labcorp); PubMed 24498942 (cited by Natera, Inc.); PubMed 29363216 (cited by Natera, Inc.); PubMed 17576681 (cited by Labcorp Genetics (formerly Invitae), Labcorp); PubMed 9536098 (cited by Labcorp Genetics (formerly Invitae), Labcorp).